The following is an entry in ClinVar:

NM_012144.4(DNAI1):c.163del (p.Leu55fs)

Gene: DNAI1 (dynein axonemal intermediate chain 1; plus strand). Cytogenetic location: 9p13.3.
Variant type: Deletion.
Coding change: c.163del on transcript NM_012144.4 (MANE Select); coding-DNA position 163, one base deleted (C; older notation c.163delC).
Protein change: p.Leu55fs; shifts the reading frame from leucine 55.
Molecular consequence: frameshift variant.
Genome position (GRCh38, 1-based): chr9:34,485,223, C deleted. VCF-style (leftmost placement, unchanged base first): chr9-34485222-GC-G. GRCh37 (hg19) VCF-style: chr9-34485220-GC-G.
Other names: c.163del, p.Leu55fs (NM_001281428.2); short protein forms L55fs.
Identifiers: ClinVar variation 944367 (VCV000944367.8), dbSNP rs1196979432, ClinGen allele CA587228929.

ClinVar aggregate classification (germline): Pathogenic (1 of 4 stars; one submission).

Conditions:
Primary ciliary dyskinesia. Also called: Ciliary dyskinesia. Identifiers: Orphanet 244, MedGen C0008780, MONDO:0016575, HP:0012265.

Allele frequency attached by ClinVar (database versions not stated): gnomAD exomes below 0.00001.

Submission:

Labcorp Genetics (formerly Invitae), Labcorp
Classification: Pathogenic for Primary ciliary dyskinesia. Last evaluated: 2021-06-24. Review status: criteria provided, single submitter. Criteria: Invitae Variant Classification Sherloc (09022015). Collection method: clinical testing. Allele origin: germline.
Comment: For these reasons, this variant has been classified as Pathogenic. Loss-of-function variants in DNAI1 are known to be pathogenic (PMID: 16858015). This variant has not been reported in the literature in individuals with DNAI1-related conditions. ClinVar contains an entry for this variant (Variation ID: 944367). This variant is not present in population databases (ExAC no frequency). This sequence change creates a premature translational stop signal (p.Leu55Trpfs*3) in the DNAI1 gene. It is expected to result in an absent or disrupted protein product.

Literature cited by the submitters: PubMed 16858015.